The following is an entry in ClinVar:

NM_032043.3(BRIP1):c.442A>G (p.Arg148Gly)

Gene: BRIP1 (BRCA1 interacting DNA helicase 1; minus strand). Cytogenetic location: 17q23.2.
Variant type: single nucleotide variant.
Coding change: c.442A>G on transcript NM_032043.3 (MANE Select); coding-DNA position 442, A replaced by G.
Protein change: p.Arg148Gly; replaces arginine 148 with glycine.
Molecular consequence: missense variant.
Genome position (GRCh38, 1-based): chr17:61,849,194, T>C on the plus strand (A>G on the coding strand, the complement: BRIP1 is on the minus strand). VCF-style: chr17-61849194-T-C. GRCh37 (hg19) VCF-style: chr17-59926555-T-C.
Other names: short protein forms R148G.
Identifiers: ClinVar variation 5033459 (VCV005033459.1).

ClinVar aggregate classification (germline): Uncertain significance (1 of 4 stars; one submission).

Conditions:
Hereditary cancer-predisposing syndrome. Also called: Neoplastic Syndromes, Hereditary; Tumor predisposition; Hereditary neoplastic syndrome; Hereditary Cancer Syndrome. Identifiers: Orphanet 140162, MedGen C0027672, MeSH D009386, MONDO:0015356.

Submission:

Ambry Genetics
Classification: Uncertain significance for Hereditary cancer-predisposing syndrome. Last evaluated: 2026-08-29. Review status: criteria provided, single submitter. Criteria: Ambry Variant Classification Scheme 2023. Collection method: clinical testing. Allele origin: germline.
Comment: The p.R148G variant (also known as c.442A>G), located in coding exon 4 of the BRIP1 gene, results from an A to G substitution at nucleotide position 442. The arginine at codon 148 is replaced by glycine, an amino acid with dissimilar properties. This amino acid position is conserved. In addition, this alteration is predicted to be tolerated by in silico analysis. Based on the available evidence, the clinical significance of this variant remains unclear.